The following is an entry in ClinVar:

ClinVar aggregate classification (germline): Uncertain significance (1 of 4 stars; one submission).

Conditions:
Primary dilated cardiomyopathy (DCM). Also called: Dilated Cardiomyopathy. Identifiers: Orphanet 217604, MedGen C0007193, MeSH D002311, MONDO:0005021, HP:0001644. Inheritance: Various modes of inheritance.

gnomAD v4.1: 5 of 1,607,206 alleles (0.00031%); highest among the groups gnomAD compares: East Asian, 0.0022%; no homozygotes.

Submission:

Labcorp Genetics (formerly Invitae), Labcorp
Classification: Uncertain significance for Primary dilated cardiomyopathy. Last evaluated: 2024-08-20. Review status: criteria provided, single submitter. Criteria: Invitae Variant Classification Sherloc (09022015). Collection method: clinical testing. Allele origin: germline.
Comment: This sequence change affects codon 483 of the NEBL mRNA. It is a 'silent' change, meaning that it does not change the encoded amino acid sequence of the NEBL protein. This variant also falls at the last nucleotide of exon 14, which is part of the consensus splice site for this exon. The frequency data for this variant in the population databases is considered unreliable, as metrics indicate poor data quality at this position in the gnomAD database. This variant has not been reported in the literature in individuals affected with NEBL-related conditions. Variants that disrupt the consensus splice site are a relatively common cause of aberrant splicing (PMID: 17576681, 9536098). Algorithms developed to predict the effect of sequence changes on RNA splicing suggest that this variant may disrupt the consensus splice site. In summary, the available evidence is currently insufficient to determine the role of this variant in disease. Therefore, it has been classified as a Variant of Uncertain Significance.

Literature cited by the submitters: PubMed 17576681; PubMed 9536098.

NM_006393.3(NEBL):c.1449G>A (p.Glu483=)

Gene: NEBL (nebulette; minus strand). Cytogenetic location: 10p12.31.
Variant type: single nucleotide variant.
Coding change: c.1449G>A on transcript NM_006393.3 (MANE Select); coding-DNA position 1449, G replaced by A.
Protein change: p.Glu483=; no amino-acid change (glutamic acid 483 retained).
Molecular consequence: synonymous variant. On other transcripts: intron variant (9).
Genome position (GRCh38, 1-based): chr10:20,835,513, C>T on the plus strand (G>A on the coding strand, the complement: NEBL is on the minus strand). VCF-style: chr10-20835513-C-T. GRCh37 (hg19) VCF-style: chr10-21124442-C-T.
Other names: c.250-22573G>A (NM_001377326.1, NM_001377327.1, NM_001377328.1); c.358-22573G>A (NM_213569.2, NM_001173484.2, NM_001377322.1); c.301-22573G>A (NM_001377324.1); c.292-22573G>A (NM_001377325.1); c.310-22573G>A (NM_001377323.1).
Identifiers: ClinVar variation 3622997 (VCV003622997.2).